The following is an entry in ClinVar:

ClinVar aggregate classification (germline): Conflicting classifications of pathogenicity. Review status: criteria provided, conflicting classifications (1 of 4 stars). 3 submissions from 3 submitters: Likely pathogenic (2); Uncertain significance (1). Last evaluated 2025-10-21.

Conditions:
Spastic paraplegia. Identifiers: MedGen C0037772, HP:0001258.
Charlevoix-Saguenay spastic ataxia (SACS). Also called: SPASTIC ATAXIA 6, AUTOSOMAL RECESSIVE; AUTOSOMAL RECESSIVE SPASTIC ATAXIA OF CHARLEVOIX-SAGUENAY; Spastic ataxia of Charlevoix-Saguenay. Identifiers: Orphanet 98, MedGen C1849140, MONDO:0010041, OMIM 270550.

Allele frequency attached by ClinVar (database versions not stated): gnomAD exomes below 0.00001; gnomAD 0.00001.
gnomAD v4.1: 4 of 1,610,892 alleles (0.00025%); highest among the groups gnomAD compares: African/African-American, 0.0013%; no homozygotes.

Submissions (3):

Labcorp Genetics (formerly Invitae), Labcorp
Classification: Uncertain significance for Spastic paraplegia. Last evaluated: 2025-10-21. Review status: criteria provided, single submitter. Criteria: Invitae Variant Classification Sherloc (09022015). Collection method: clinical testing. Allele origin: germline.
Comment: This sequence change replaces histidine, which is basic and polar, with arginine, which is basic and polar, at codon 1587 of the SACS protein (p.His1587Arg). This variant is not present in population databases (gnomAD no frequency). This missense change has been observed in individual(s) with spastic paraplegia (PMID: 20876471; internal data). In at least one individual the data is consistent with being in trans (on the opposite chromosome) from a pathogenic variant. ClinVar contains an entry for this variant (Variation ID: 2678513). Invitae Evidence Modeling of protein sequence and biophysical properties (such as structural, functional, and spatial information, amino acid conservation, physicochemical variation, residue mobility, and thermodynamic stability) has been performed for this missense variant. However, the output from this modeling did not meet the statistical confidence thresholds required to predict the impact of this variant on SACS protein function. In summary, the available evidence is currently insufficient to determine the role of this variant in disease. Therefore, it has been classified as a Variant of Uncertain Significance.

Baylor Genetics
Classification: Likely pathogenic for Charlevoix-Saguenay spastic ataxia. Last evaluated: 2024-03-27. Review status: criteria provided, single submitter. Criteria: ACMG Guidelines, 2015. Collection method: clinical testing. Allele origin: unknown.

PROSPAX: an integrated multimodal progression  chart in spastic ataxias, Center for Neurology; Hertie-Institute for Clinical Brain Research
Classification: Likely pathogenic for Charlevoix-Saguenay spastic ataxia. Last evaluated: 2022-01-01. Review status: criteria provided, single submitter. Criteria: ACMG Guidelines, 2015. Collection method: research. Allele origin: germline. Affected: yes.
Comment: Variant seen in compound het: [c.4760A>G;c.2971T>C]

Literature cited by the submitters: PubMed 20876471 (cited by Labcorp Genetics (formerly Invitae), Labcorp).

NM_014363.6(SACS):c.4760A>G (p.His1587Arg)

Gene: SACS (sacsin molecular chaperone; minus strand). Cytogenetic location: 13q12.12.
Variant type: single nucleotide variant.
Coding change: c.4760A>G on transcript NM_014363.6 (MANE Select); coding-DNA position 4760, A replaced by G.
Protein change: p.His1587Arg; replaces histidine 1587 with arginine.
Molecular consequence: missense variant.
Genome position (GRCh38, 1-based): chr13:23,339,116, T>C on the plus strand (A>G on the coding strand, the complement: SACS is on the minus strand). VCF-style: chr13-23339116-T-C. GRCh37 (hg19) VCF-style: chr13-23913255-T-C.
Other names: c.4319A>G, p.His1440Arg (NM_001278055.2); c.4760A>G (NM_014363.5); short protein forms H1440R, H1587R.
Identifiers: ClinVar variation 2678513 (VCV002678513.4), dbSNP rs1868949196, ClinGen allele CA387527790.